The following is an entry in ClinVar:

NM_003839.4(TNFRSF11A):c.1444G>C (p.Glu482Gln)

Gene: TNFRSF11A (TNF receptor superfamily member 11a; plus strand). Cytogenetic location: 18q21.33.
Variant type: single nucleotide variant.
Coding change: c.1444G>C on transcript NM_003839.4 (MANE Select); coding-DNA position 1444, G replaced by C.
Protein change: p.Glu482Gln; replaces glutamic acid 482 with glutamine.
Molecular consequence: missense variant. On other transcripts: intron variant (3).
Genome position (GRCh38, 1-based): chr18:62,369,361, G>C. VCF-style: chr18-62369361-G-C. GRCh37 (hg19) VCF-style: chr18-60036594-G-C.
Other names: c.1402G>C, p.Glu468Gln (NM_001278268.2); c.783+2601G>C (NM_001270949.2); c.730+7568G>C (NM_001270950.2); c.616+9312G>C (NM_001270951.2); c.1444G>C (NM_003839.2); short protein forms E482Q, E468Q.
Identifiers: ClinVar variation 1375940 (VCV001375940.9), dbSNP rs769478485, ClinGen allele CA8983968.

ClinVar aggregate classification (germline): Uncertain significance. Review status: criteria provided, multiple submitters, no conflicts (2 of 4 stars). 2 submissions from 2 submitters: Uncertain significance (2). Last evaluated 2026-01-27.

Conditions:
Inborn genetic diseases. Identifiers: MedGen C0950123, MeSH D030342.

Allele frequency attached by ClinVar (database versions not stated): ExAC 0.00001; gnomAD exomes 0.00001; gnomAD 0.00004; TOPMed 0.00005.
gnomAD v4.1: 14 of 1,610,236 alleles (0.00087%); highest among the groups gnomAD compares: African/African-American, 0.013%; no homozygotes.

Submissions (2):

Labcorp Genetics (formerly Invitae), Labcorp
Classification: Uncertain significance. Last evaluated: 2026-01-27. Review status: criteria provided, single submitter. Criteria: Invitae Variant Classification Sherloc (09022015). Collection method: clinical testing. Allele origin: germline.
Comment: This sequence change replaces glutamic acid, which is acidic and polar, with glutamine, which is neutral and polar, at codon 482 of the TNFRSF11A protein (p.Glu482Gln). This variant is present in population databases (rs769478485, gnomAD 0.01%). This variant has not been reported in the literature in individuals affected with TNFRSF11A-related conditions. ClinVar contains an entry for this variant (Variation ID: 1375940). An algorithm developed to predict the effect of missense changes on protein structure and function (PolyPhen-2) suggests that this variant is likely to be tolerated. In summary, the available evidence is currently insufficient to determine the role of this variant in disease. Therefore, it has been classified as a Variant of Uncertain Significance.

Ambry Genetics
Classification: Uncertain significance for Inborn genetic diseases. Last evaluated: 2024-06-13. Review status: criteria provided, single submitter. Criteria: Ambry Variant Classification Scheme 2023. Collection method: clinical testing. Allele origin: germline.